The following is an entry in ClinVar:

ClinVar aggregate classification (germline): Pathogenic (1 of 4 stars; one submission).

Allele frequency attached by ClinVar (database versions not stated): gnomAD exomes below 0.00001; TOPMed below 0.00001.

Submission:

Labcorp Genetics (formerly Invitae), Labcorp
Classification: Pathogenic. Last evaluated: 2022-08-16. Review status: criteria provided, single submitter. Criteria: Invitae Variant Classification Sherloc (09022015). Collection method: clinical testing. Allele origin: germline.
Comment: For these reasons, this variant has been classified as Pathogenic. ClinVar contains an entry for this variant (Variation ID: 1438629). This variant has not been reported in the literature in individuals affected with DNAJC21-related conditions. This variant is not present in population databases (gnomAD no frequency). This sequence change creates a premature translational stop signal (p.Thr146Asnfs*26) in the DNAJC21 gene. It is expected to result in an absent or disrupted protein product. Loss-of-function variants in DNAJC21 are known to be pathogenic (PMID: 27346687, 28062395).

Literature cited by the submitters: PubMed 27346687; PubMed 28062395.

NM_001012339.3(DNAJC21):c.436dup (p.Thr146fs)

Gene: DNAJC21 (DnaJ heat shock protein family (Hsp40) member C21; plus strand). Cytogenetic location: 5p13.2.
Variant type: Duplication.
Coding change: c.436dup on transcript NM_001012339.3 (MANE Select); coding-DNA position 436, one base duplicated (A; older notation c.436dupA).
Protein change: p.Thr146fs; shifts the reading frame from threonine 146.
Molecular consequence: frameshift variant.
Genome position (GRCh38, 1-based): chr5:34,936,264, A duplicated. VCF-style (leftmost placement, unchanged base first): chr5-34936263-T-TA. GRCh37 (hg19) VCF-style: chr5-34936368-T-TA.
Other names: c.436dup, p.Thr146fs (NM_001348420.2, NM_194283.4); short protein forms T146fs.
Identifiers: ClinVar variation 1438629 (VCV001438629.6), dbSNP rs1764773836, ClinGen allele CA1538655034.